The following is an entry in ClinVar:

ClinVar aggregate classification (germline): Uncertain significance (1 of 4 stars; one submission).

Conditions:
Intellectual developmental disorder, autosomal dominant 48. Also called: MENTAL RETARDATION, AUTOSOMAL DOMINANT 48; Intellectual disability, autosomal dominant 48. Identifiers: Orphanet 500159, MedGen C4540321, MONDO:0030913, OMIM 617751.

Submission:

Clinical Genomics Laboratory, Washington University in St. Louis
Classification: Uncertain significance for Intellectual developmental disorder, autosomal dominant 48. Last evaluated: 2026-01-27. Review status: criteria provided, single submitter. Criteria: ACMG Guidelines, 2015. Collection method: clinical testing. Allele origin: germline.
Comment: The RAC1 c.278T>G (p.Val93Gly) variant, to our knowledge, has not been reported in the medical literature and is absent from the general population (gnomAD v4.1.0), indicating it is not a common variant. This variant is outside the known functional domain, the switch II region at amino acids Q61-R68, that contains the majority of the pathogenic variants (Banka S et al., PMID: 35139179; Priolo M et al., PMID: 37059841; Reijnders MRF et al., PMID: 28886345). However, computational predictors indicate that the variant is damaging, evidence that correlates with an impact on RAC1 function. Due to limited information, and based on ACMG/AMP guidelines for variant interpretation (Richards S et al., PMID: 25741868), the clinical significance of this variant is uncertain at this time.

NM_006908.5(RAC1):c.278T>G (p.Val93Gly)

Gene: RAC1 (Rac family small GTPase 1; plus strand). Cytogenetic location: 7p22.1.
Variant type: single nucleotide variant.
Coding change: c.278T>G on transcript NM_006908.5 (MANE Select); coding-DNA position 278, T replaced by G.
Protein change: p.Val93Gly; replaces valine 93 with glycine.
Molecular consequence: missense variant.
Genome position (GRCh38, 1-based): chr7:6,400,178, T>G. VCF-style: chr7-6400178-T-G. GRCh37 (hg19) VCF-style: chr7-6439809-T-G.
Other names: c.335T>G, p.Val112Gly (NM_018890.4); short protein forms V112G, V93G.
Identifiers: ClinVar variation 4879484 (VCV004879484.1).
Genomic context (GRCh38, chr7:6,400,178, plus strand): 5'-TTTTGTAGGATGTGTTCTTAATTTGCTTTTCCCTTGTGAGTCCTGCATCATTTGAAAATG[T>G]CCGTGCAAAGGTAGGTGGGGATTTAAAATGTGTATGTAAGTTATAGAATGATCCTCTCAG-3'
Protein context (NP_008839.2, residues 83-103): SLVSPASFEN[Val93Gly]RAKWYPEVRH